The following is an entry in ClinVar:

ClinVar aggregate classification (germline): Uncertain significance. Review status: criteria provided, multiple submitters, no conflicts (2 of 4 stars). 6 submissions from 5 submitters: Uncertain significance (6). Last evaluated 2025-10-17.

Conditions:
USH2A-related disorder. Also called: USH2A-related disorders; USH2A-related condition. Identifiers: MedGen CN239332.
Inborn genetic diseases. Identifiers: MedGen C0950123, MeSH D030342.
Usher syndrome type 2A. Also called: RETINAL DISEASE IN USHER SYNDROME TYPE IIA, MODIFIER OF; USHER SYNDROME, TYPE IIA. Identifiers: Orphanet 231178, Orphanet 886, MedGen C1848634, MONDO:0010169, OMIM 276901.
Retinitis pigmentosa 39 (RP39). Identifiers: Orphanet 791, MedGen C3151138, MONDO:0013436, OMIM 613809.

Allele frequency attached by ClinVar (database versions not stated): ExAC 0.00002; gnomAD 0.00002; TOPMed 0.00002; gnomAD exomes 0.00004; ESP Exome Variant Server 0.00015.
gnomAD v4.1: 66 of 1,613,568 alleles (0.0041%); highest among the groups gnomAD compares: Non-Finnish European, 0.0052%; no homozygotes.

Submissions (6):

PreventionGenetics, part of Exact Sciences
Classification: Uncertain significance for USH2A-related condition. Last evaluated: 2025-10-17. Review status: criteria provided, single submitter. Criteria: ACMG Guidelines, 2015. Collection method: clinical testing. Allele origin: germline.
Comment: The USH2A c.85T>A variant is predicted to result in the amino acid substitution p.Ser29Thr. To our knowledge, this variant has not been reported in the literature. This variant is reported in 0.0062% of alleles in individuals of African descent in gnomAD. At this time, the clinical significance of this variant is uncertain due to the absence of conclusive functional and genetic evidence.

Blueprint Genetics
Classification: Uncertain significance. Last evaluated: 2024-03-01. Review status: criteria provided, single submitter. Criteria: ACMG Guidelines, 2015. Collection method: clinical testing. Allele origin: germline.

Genome-Nilou Lab
Classification: Uncertain significance for Retinitis pigmentosa 39. Last evaluated: 2023-11-04. Review status: criteria provided, single submitter. Criteria: ACMG Guidelines, 2015. Collection method: clinical testing. Allele origin: germline. Affected: no.

Genome-Nilou Lab
Classification: Uncertain significance for Usher syndrome type 2A. Last evaluated: 2023-11-04. Review status: criteria provided, single submitter. Criteria: ACMG Guidelines, 2015. Collection method: clinical testing. Allele origin: germline. Affected: no.

Labcorp Genetics (formerly Invitae), Labcorp
Classification: Uncertain significance. Last evaluated: 2022-02-10. Review status: criteria provided, single submitter. Criteria: Invitae Variant Classification Sherloc (09022015). Collection method: clinical testing. Allele origin: germline.
Comment: This sequence change replaces serine, which is neutral and polar, with threonine, which is neutral and polar, at codon 29 of the USH2A protein (p.Ser29Thr). This variant is present in population databases (rs377309313, gnomAD 0.007%). This variant has not been reported in the literature in individuals affected with USH2A-related conditions. Algorithms developed to predict the effect of missense changes on protein structure and function (SIFT, PolyPhen-2, Align-GVGD) all suggest that this variant is likely to be tolerated. In summary, the available evidence is currently insufficient to determine the role of this variant in disease. Therefore, it has been classified as a Variant of Uncertain Significance.

Ambry Genetics
Classification: Uncertain significance for Inborn genetic diseases. Last evaluated: 2021-10-06. Review status: criteria provided, single submitter. Criteria: Ambry Variant Classification Scheme 2023. Collection method: clinical testing. Allele origin: germline.

NM_206933.4(USH2A):c.85T>A (p.Ser29Thr)

Gene: USH2A (usherin; minus strand). Cytogenetic location: 1q41.
Variant type: single nucleotide variant.
Coding change: c.85T>A on transcript NM_206933.4 (MANE Select); coding-DNA position 85, T replaced by A.
Protein change: p.Ser29Thr; replaces serine 29 with threonine.
Molecular consequence: missense variant.
Genome position (GRCh38, 1-based): chr1:216,422,252, A>T on the plus strand (T>A on the coding strand, the complement: USH2A is on the minus strand). VCF-style: chr1-216422252-A-T. GRCh37 (hg19) VCF-style: chr1-216595594-A-T.
Other names: c.85T>A, p.Ser29Thr (NM_007123.6); c.85T>A (NM_007123.5, NM_206933.2); short protein forms S29T.
Identifiers: ClinVar variation 2198754 (VCV002198754.5), dbSNP rs377309313, ClinGen allele CA1396857.